The following is an entry in ClinVar:

ClinVar aggregate classification (germline): Pathogenic. Review status: criteria provided, multiple submitters, no conflicts (2 of 4 stars). 2 submissions from 2 submitters: Pathogenic (2). Last evaluated 2025-08-01.

Conditions:
Congenital stationary night blindness 1C. Also called: Night blindness, congenital stationary (complete), 1C, autosomal recessive. Identifiers: Orphanet 215, MedGen C2750747, MONDO:0013183, OMIM 613216.

Allele frequency attached by ClinVar (database versions not stated): gnomAD 0.00001; gnomAD exomes 0.00001; ExAC 0.00002.

Submissions (2):

3billion
Classification: Pathogenic for Congenital stationary night blindness 1C. Last evaluated: 2025-08-01. Review status: criteria provided, single submitter. Criteria: ACMG Guidelines, 2015. Collection method: clinical testing. Allele origin: germline. Affected: yes.
Comment: The variant is observed at an extremely low frequency in the gnomAD v4.1.0 dataset (total allele frequency: <0.001%). Predicted Consequence/Location: Frameshift: predicted to result in a loss or disruption of normal protein function through nonsense-mediated decay (NMD) or protein truncation. Multiple pathogenic variants are reported downstream of the variant. The variant has been reported to be associated with TRPM1-related disorder (ClinVar ID: VCV002004067). Therefore, this variant is classified as Pathogenic according to the recommendation of ACMG/AMP guideline.

Labcorp Genetics (formerly Invitae), Labcorp
Classification: Pathogenic. Last evaluated: 2025-04-28. Review status: criteria provided, single submitter. Criteria: Invitae Variant Classification Sherloc (09022015). Collection method: clinical testing. Allele origin: germline.
Comment: This sequence change creates a premature translational stop signal (p.Ser102Phefs*10) in the TRPM1 gene. It is expected to result in an absent or disrupted protein product. Loss-of-function variants in TRPM1 are known to be pathogenic (PMID: 19896113, 19966281, 20300565). This variant is present in population databases (rs756335940, gnomAD 0.02%). This variant has not been reported in the literature in individuals affected with TRPM1-related conditions. ClinVar contains an entry for this variant (Variation ID: 2004067). Algorithms developed to predict the effect of sequence changes on RNA splicing suggest that this variant may disrupt the consensus splice site. For these reasons, this variant has been classified as Pathogenic.

Literature cited by the submitters: PubMed 19896113 (cited by Labcorp Genetics (formerly Invitae), Labcorp); PubMed 19966281 (cited by Labcorp Genetics (formerly Invitae), Labcorp); PubMed 20300565 (cited by Labcorp Genetics (formerly Invitae), Labcorp).

NM_001252024.2(TRPM1):c.370dup (p.Ser124fs)

Gene: TRPM1 (transient receptor potential cation channel subfamily M member 1; minus strand). Cytogenetic location: 15q13.3.
Variant type: Duplication.
Coding change: c.370dup on transcript NM_001252024.2 (MANE Select); coding-DNA position 370, one base duplicated (T; older notation c.370dupT).
Protein change: p.Ser124fs; shifts the reading frame from serine 124.
Molecular consequence: frameshift variant.
Genome position (GRCh38, 1-based): chr15:31,068,002, A duplicated on the plus strand (T on the coding strand, the reverse complement: TRPM1 is on the minus strand). VCF-style (leftmost placement, unchanged base first): chr15-31068001-G-GA. GRCh37 (hg19) VCF-style: chr15-31360204-G-GA.
Other names: c.421dup, p.Ser141fs (NM_001252020.2); c.304dup, p.Ser102fs (NM_002420.6); short protein forms S102fs, S124fs, S141fs.
Identifiers: ClinVar variation 2004067 (VCV002004067.5), dbSNP rs756335940, ClinGen allele CA7452964.